The following is an entry in ClinVar:

ClinVar aggregate classification (germline): Uncertain significance. Review status: criteria provided, multiple submitters, no conflicts (2 of 4 stars). 4 submissions from 4 submitters: Uncertain significance (4). Last evaluated 2025-10-21.

Conditions:
Cardiovascular phenotype. Identifiers: MedGen CN230736.

Allele frequency attached by ClinVar (database versions not stated): gnomAD 0.00001; gnomAD exomes 0.00001; TOPMed 0.00001.
gnomAD v4.1: 15 of 1,609,560 alleles (0.00093%); highest among the groups gnomAD compares: Non-Finnish European, 0.0012%; no homozygotes.

Submissions (4):

Labcorp Genetics (formerly Invitae), Labcorp
Classification: Uncertain significance. Last evaluated: 2025-10-21. Review status: criteria provided, single submitter. Criteria: Invitae Variant Classification Sherloc (09022015). Collection method: clinical testing. Allele origin: germline.
Comment: This sequence change replaces tyrosine, which is neutral and polar, with histidine, which is basic and polar, at codon 352 of the ALPK3 protein (p.Tyr352His). This variant is not present in population databases (gnomAD no frequency). This variant has not been reported in the literature in individuals affected with ALPK3-related conditions. ClinVar contains an entry for this variant (Variation ID: 3017613). An algorithm developed to predict the effect of missense changes on protein structure and function (PolyPhen-2) suggests that this variant is likely to be disruptive. In summary, the available evidence is currently insufficient to determine the role of this variant in disease. Therefore, it has been classified as a Variant of Uncertain Significance.

Ambry Genetics
Classification: Uncertain significance for Cardiovascular phenotype. Last evaluated: 2025-08-28. Review status: criteria provided, single submitter. Criteria: Ambry Variant Classification Scheme 2023. Collection method: clinical testing. Allele origin: germline.
Comment: The p.Y352H variant (also known as c.1054T>C), located in coding exon 5 of the ALPK3 gene, results from a T to C substitution at nucleotide position 1054. The tyrosine at codon 352 is replaced by histidine, an amino acid with similar properties. This amino acid position is conserved. In addition, this alteration is predicted to be deleterious by in silico analysis. Based on the available evidence, the clinical significance of this variant remains unclear.

Blueprint Genetics
Classification: Uncertain significance. Last evaluated: 2024-11-14. Review status: criteria provided, single submitter. Criteria: ACMG Guidelines, 2015. Collection method: clinical testing. Allele origin: germline.

Mayo Clinic Laboratories, Mayo Clinic
Classification: Uncertain significance. Last evaluated: 2024-09-06. Review status: criteria provided, single submitter. Criteria: ACMG Guidelines, 2015. Collection method: clinical testing. Allele origin: germline. Observed: 1 variant allele.
Comment: PP3, PM2

NM_020778.5(ALPK3):c.448T>C (p.Tyr150His)

Gene: ALPK3 (alpha kinase 3; plus strand). Cytogenetic location: 15q25.3.
Variant type: single nucleotide variant.
Coding change: c.448T>C on transcript NM_020778.5 (MANE Select); coding-DNA position 448, T replaced by C.
Protein change: p.Tyr150His; replaces tyrosine 150 with histidine.
Molecular consequence: missense variant.
Genome position (GRCh38, 1-based): chr15:84,839,727, T>C. VCF-style: chr15-84839727-T-C. GRCh37 (hg19) VCF-style: chr15-85382958-T-C.
Other names: p.Tyr352His; c.1054T>C (NM_020778.4); short protein forms Y150H.
Identifiers: ClinVar variation 3017613 (VCV003017613.6), dbSNP rs760195075, ClinGen allele CA273664932.